The following is an entry in ClinVar:

ClinVar aggregate classification (germline): Uncertain significance (1 of 4 stars; one submission).

Conditions:
Inborn genetic diseases. Identifiers: MedGen C0950123, MeSH D030342.

Allele frequency attached by ClinVar (database versions not stated): TOPMed 0.00005; ExAC 0.00013.
gnomAD v4.1: 26 of 1,601,330 alleles (0.0016%); highest among the groups gnomAD compares: East Asian, 0.045%; no homozygotes.

Submission:

Ambry Genetics
Classification: Uncertain significance for Inborn genetic diseases. Last evaluated: 2023-10-16. Review status: criteria provided, single submitter. Criteria: Ambry Variant Classification Scheme 2023. Collection method: clinical testing. Allele origin: germline.
Comment: The c.10086G>T (p.Q3362H) alteration is located in exon 31 (coding exon 31) of the PKD1 gene. This alteration results from a G to T substitution at nucleotide position 10086, causing the glutamine (Q) at amino acid position 3362 to be replaced by a histidine (H). Based on data from gnomAD, the T allele has an overall frequency of 0.011% (28/255244) total alleles studied. The highest observed frequency was 0.146% (27/18542) of East Asian alleles. This amino acid position is not well conserved in available vertebrate species. This alteration is predicted to be tolerated by in silico analysis. Based on insufficient or conflicting evidence, the clinical significance of this alteration remains unclear.

Literature cited by the submitters: PubMed 35778421.

NM_001009944.3(PKD1):c.10086G>T (p.Gln3362His)

Gene: PKD1 (polycystin 1, transient receptor potential channel interacting; minus strand). Cytogenetic location: 16p13.3.
Variant type: single nucleotide variant.
Coding change: c.10086G>T on transcript NM_001009944.3 (MANE Select); coding-DNA position 10086, G replaced by T.
Protein change: p.Gln3362His; replaces glutamine 3362 with histidine.
Molecular consequence: missense variant.
Genome position (GRCh38, 1-based): chr16:2,097,949, C>A on the plus strand (G>T on the coding strand, the complement: PKD1 is on the minus strand). VCF-style: chr16-2097949-C-A. GRCh37 (hg19) VCF-style: chr16-2147950-C-A.
Other names: c.10086G>T, p.Gln3362His (NM_000296.4); short protein forms Q3362H.
Identifiers: ClinVar variation 3213414 (VCV003213414.1), dbSNP rs767064899, ClinGen allele CA7829813.